The following is an entry in ClinVar:

ClinVar aggregate classification (germline): Uncertain significance. Review status: criteria provided, multiple submitters, no conflicts (2 of 4 stars). 6 submissions from 6 submitters: Uncertain significance (4). 2 of the submissions do not count toward it. Last evaluated 2026-02-03.

Conditions:
TTN-related disorder. Also called: TTN-related condition; TTN-related disease; TTN-related disorders.
Dilated cardiomyopathy 1G (CMD1G). Identifiers: Orphanet 154, MedGen C1858763, MONDO:0011400, OMIM 604145.
Tibial muscular dystrophy (TMD). Also called: Tibial muscular dystrophy, tardive; Udd Distal Myopathy – Tibial Muscular Dystrophy; UDD MYOPATHY. Identifiers: Orphanet 609, MedGen C1838244, MONDO:0010870, OMIM 600334.
Myopathy, myofibrillar, 9, with early respiratory failure (MFM9). Also called: Hereditary myopathy with early respiratory failure; Myopathy, distal, with early respiratory failure, autosomal dominant; EDSTROM MYOPATHY; MYOPATHY, PROXIMAL, WITH EARLY RESPIRATORY MUSCLE INVOLVEMENT. Identifiers: Orphanet 178464, Orphanet 34521, MedGen C1863599, MONDO:0011362, OMIM 603689.
Hypertrophic cardiomyopathy 9. Also called: Familial hypertrophic cardiomyopathy 9. Identifiers: MedGen C1861065, MONDO:0013412, OMIM 613765.
Early-onset myopathy with fatal cardiomyopathy (CMYO5). Also called: Salih Myopathy; CONGENITAL MYOPATHY 5 WITH CARDIOMYOPATHY. Identifiers: Orphanet 289377, MedGen C2673677, MONDO:0012714, OMIM 611705. Disease mechanism: loss of function.
Autosomal recessive limb-girdle muscular dystrophy type 2J (LGMDR10). Also called: Limb-girdle muscular dystrophy, type 2J; MUSCULAR DYSTROPHY, LIMB-GIRDLE, AUTOSOMAL RECESSIVE 10. Identifiers: Orphanet 140922, MedGen C1837342, MONDO:0012127, OMIM 608807.

Allele frequency attached by ClinVar (database versions not stated): TOPMed 0.00003; gnomAD 0.00005; 1000 Genomes Project 30x 0.00016; 1000 Genomes Project 0.00020.
gnomAD v4.1: 126 of 1,601,394 alleles (0.0079%); highest among the groups gnomAD compares: Non-Finnish European, 0.01%; no homozygotes.

Submissions (6):

PreventionGenetics, part of Exact Sciences
Classification: Uncertain significance for TTN-related condition. Last evaluated: 2026-02-03. Review status: criteria provided, single submitter. Criteria: ACMG Guidelines, 2015. Collection method: clinical testing. Allele origin: germline.
Comment: The TTN c.33328C>T variant is predicted to result in the amino acid substitution p.Pro11110Ser. To our knowledge, this variant has not been reported in the literature. This variant is reported in 0.0064% of alleles in individuals of European (Non-Finnish) descent in gnomAD. At this time, the clinical significance of this variant is uncertain due to the absence of conclusive functional and genetic evidence.

Women's Health and Genetics/Laboratory Corporation of America, LabCorp
Classification: Uncertain significance. Last evaluated: 2023-04-04. Review status: criteria provided, single submitter. Criteria: LabCorp Variant Classification Summary - May 2015. Collection method: clinical testing. Allele origin: germline.

Fulgent Genetics
Classification: Uncertain significance for Tibial muscular dystrophy; Myopathy, myofibrillar, 9, with early respiratory failure; Dilated cardiomyopathy 1G; Autosomal recessive limb-girdle muscular dystrophy type 2J; Early-onset myopathy with fatal cardiomyopathy; Hypertrophic cardiomyopathy 9. Last evaluated: 2021-11-01. Review status: criteria provided, single submitter. Criteria: ACMG Guidelines, 2015. Collection method: clinical testing. Allele origin: unknown.

Revvity Omics, Revvity
Classification: Uncertain significance. Last evaluated: 2021-08-24. Review status: criteria provided, single submitter. Criteria: ACMG Guidelines, 2015. Collection method: clinical testing. Allele origin: germline.

Clinical Genetics DNA and cytogenetics Diagnostics Lab, Erasmus MC, Erasmus Medical Center
Classification: Uncertain significance. Review status: no assertion criteria provided. Collection method: clinical testing. Allele origin: germline. Affected: yes. Study: VKGL Data-share Consensus. Not counted in ClinVar's aggregate classification.

Clinical Genetics, Academic Medical Center
Classification: Uncertain significance. Review status: no assertion criteria provided. Collection method: clinical testing. Allele origin: germline. Affected: yes. Study: VKGL Data-share Consensus. Not counted in ClinVar's aggregate classification.

NM_001267550.2(TTN):c.33328C>T (p.Pro11110Ser)

Gene: TTN (titin; minus strand). Cytogenetic location: 2q31.2.
Variant type: single nucleotide variant.
Coding change: c.33328C>T on transcript NM_001267550.2 (MANE Select); coding-DNA position 33328, C replaced by T.
Protein change: p.Pro11110Ser; replaces proline 11110 with serine.
Molecular consequence: missense variant. On other transcripts: intron variant (3).
Genome position (GRCh38, 1-based): chr2:178,681,091, G>A on the plus strand (C>T on the coding strand, the complement: TTN is on the minus strand). VCF-style: chr2-178681091-G-A. GRCh37 (hg19) VCF-style: chr2-179545818-G-A.
Other names: c.13658-38774C>T (NM_133432.3); c.32377C>T, p.Pro10793Ser (NM_001256850.1); c.29596C>T, p.Pro9866Ser (NM_133378.4); c.13283-38774C>T (NM_003319.4); c.13859-38774C>T (NM_133437.4); short protein forms P10793S, P11110S, P9866S.
Identifiers: ClinVar variation 1284479 (VCV001284479.9), dbSNP rs565328082, ClinGen allele CA1998389.